The following is an entry in ClinVar:

ClinVar aggregate classification (germline): Uncertain significance (1 of 4 stars; one submission).

Conditions:
Familial adenomatous polyposis 1 (FAP1). Also called: POLYPOSIS, ADENOMATOUS INTESTINAL; FAMILIAL ADENOMATOUS POLYPOSIS 1, ATTENUATED. Identifiers: MedGen C2713442, MONDO:0021056, OMIM 175100. Disease mechanism: loss of function.

Submission:

Labcorp Genetics (formerly Invitae), Labcorp
Classification: Uncertain significance for Familial adenomatous polyposis 1. Last evaluated: 2020-03-10. Review status: criteria provided, single submitter. Criteria: Invitae Variant Classification Sherloc (09022015). Collection method: clinical testing. Allele origin: germline.
Comment: This variant has not been reported in the literature in individuals with APC-related conditions. In summary, the available evidence is currently insufficient to determine the role of this variant in disease. Therefore, it has been classified as a Variant of Uncertain Significance. Algorithms developed to predict the effect of missense changes on protein structure and function are either unavailable or do not agree on the potential impact of this missense change (SIFT: "Tolerated"; PolyPhen-2: "Possibly Damaging"; Align-GVGD: "Class C0"). This variant is not present in population databases (ExAC no frequency). This sequence change replaces methionine with leucine at codon 200 of the APC protein (p.Met200Leu). The methionine residue is highly conserved and there is a small physicochemical difference between methionine and leucine.

NM_000038.6(APC):c.598A>T (p.Met200Leu)

Gene: APC (APC regulator of Wnt signaling pathway; plus strand). Cytogenetic location: 5q22.2.
Variant type: single nucleotide variant.
Coding change: c.598A>T on transcript NM_000038.6 (MANE Select); coding-DNA position 598, A replaced by T.
Protein change: p.Met200Leu; replaces methionine 200 with leucine.
Molecular consequence: missense variant. On other transcripts: 5 prime UTR variant (1).
Genome position (GRCh38, 1-based): chr5:112,780,856, A>T. VCF-style: chr5-112780856-A-T. GRCh37 (hg19) VCF-style: chr5-112116553-A-T.
Other names: c.598A>T, p.Met200Leu (NM_001127510.3, NM_001354895.2, NM_001354896.2 and 2 more transcripts); c.628A>T, p.Met210Leu (NM_001127511.3, NM_001354897.2, NM_001354902.2); c.523A>T, p.Met175Leu (NM_001354898.2, NM_001354904.2); c.421A>T, p.Met141Leu (NM_001354900.2, NM_001354901.2, NM_001354905.2); c.-438A>T (NM_001354906.2); short protein forms M141L, M175L, M200L, M210L.
Identifiers: ClinVar variation 1062957 (VCV001062957.10), dbSNP rs1186666551, ClinGen allele CA16022643.
Genomic context (GRCh38, chr5:112,780,856, plus strand): 5'-TTACAAACAGATATGACCAGAAGGCAATTGGAATATGAAGCAAGGCAAATCAGAGTTGCG[A>T]TGGAAGAACAACTAGGTACCTGCCAGGATATGGAAAAACGAGCACAGGTAAGTTACTTGT-3'
Protein context (NP_000029.2, residues 190-210): EYEARQIRVA[Met200Leu]EEQLGTCQDM